The following is an entry in ClinVar:

ClinVar aggregate classification (germline): Uncertain significance (1 of 4 stars; one submission).

Allele frequency attached by ClinVar (database versions not stated): TOPMed below 0.00001; ExAC 0.00001; gnomAD 0.00001.

Submission:

Labcorp Genetics (formerly Invitae), Labcorp
Classification: Uncertain significance. Last evaluated: 2022-08-17. Review status: criteria provided, single submitter. Criteria: Invitae Variant Classification Sherloc (09022015). Collection method: clinical testing. Allele origin: germline.
Comment: This sequence change replaces alanine, which is neutral and non-polar, with valine, which is neutral and non-polar, at codon 71 of the CNGA3 protein (p.Ala71Val). The frequency data for this variant in the population databases is considered unreliable, as metrics indicate poor data quality at this position in the gnomAD database. In summary, the available evidence is currently insufficient to determine the role of this variant in disease. Therefore, it has been classified as a Variant of Uncertain Significance. Advanced modeling of protein sequence and biophysical properties (such as structural, functional, and spatial information, amino acid conservation, physicochemical variation, residue mobility, and thermodynamic stability) performed at Invitae indicates that this missense variant is not expected to disrupt CNGA3 protein function. This variant has not been reported in the literature in individuals affected with CNGA3-related conditions.

NM_001298.3(CNGA3):c.212C>T (p.Ala71Val)

Gene: CNGA3 (cyclic nucleotide gated channel subunit alpha 3; plus strand). Cytogenetic location: 2q11.2.
Variant type: single nucleotide variant.
Coding change: c.212C>T on transcript NM_001298.3 (MANE Select); coding-DNA position 212, C replaced by T.
Protein change: p.Ala71Val; replaces alanine 71 with valine.
Molecular consequence: missense variant.
Genome position (GRCh38, 1-based): chr2:98,377,797, C>T. VCF-style: chr2-98377797-C-T. GRCh37 (hg19) VCF-style: chr2-98994260-C-T.
Other names: c.212C>T, p.Ala71Val (NM_001079878.2); short protein forms A71V.
Identifiers: ClinVar variation 1716598 (VCV001716598.5), dbSNP rs746419947, ClinGen allele CA1793613.